The following is an entry in ClinVar:

NM_004519.4(KCNQ3):c.1969T>C (p.Tyr657His)

Gene: KCNQ3 (potassium voltage-gated channel subfamily Q member 3; minus strand). Cytogenetic location: 8q24.22.
Variant type: single nucleotide variant.
Coding change: c.1969T>C on transcript NM_004519.4 (MANE Select); coding-DNA position 1969, T replaced by C.
Protein change: p.Tyr657His; replaces tyrosine 657 with histidine.
Molecular consequence: missense variant.
Genome position (GRCh38, 1-based): chr8:132,129,912, A>G on the plus strand (T>C on the coding strand, the complement: KCNQ3 is on the minus strand). VCF-style: chr8-132129912-A-G. GRCh37 (hg19) VCF-style: chr8-133142159-A-G.
Other names: c.1609T>C, p.Tyr537His (NM_001204824.2); short protein forms Y537H, Y657H.
Identifiers: ClinVar variation 4852115 (VCV004852115.1).

ClinVar aggregate classification (germline): Likely benign (1 of 4 stars; one submission).

Conditions:
Seizures, benign familial neonatal, 2. Also called: Benign Neonatal Epilepsy 2; Seizures, benign neonatal, 2; CONVULSIONS, BENIGN FAMILIAL NEONATAL, 2; KCNQ3-Related Benign Familial Neonatal Epilepsy; KCNQ3-Related Self-Limited Familial Neonatal Epilepsy (SLFNE). Identifiers: Orphanet 1949, MedGen C1852581, MONDO:0007366, OMIM 121201.

gnomAD v4.1: 19 of 1,613,646 alleles (0.0012%); highest among the groups gnomAD compares: South Asian, 0.019%; no homozygotes.

Submission:

Centre for Medical Genetics,  Mumbai
Classification: Likely benign for Seizures, benign familial neonatal, 2. Last evaluated: 2026-04-27. Review status: criteria provided, single submitter. Criteria: ACMG Guidelines, 2015. Collection method: provider interpretation. Allele origin: germline. Inheritance: Autosomal dominant inheritance. Affected: no. Observed: 1 variant allele, 1 heterozygote.
Comment: The variant satisfies PM2 criteria - extremely low frequency in gnomAD population databases. However, the variant satisfies BS2 criteria - present in heterozygous state in an individual that clinically does not have seizures.

Literature cited by the submitters: PubMed 1859177.